The following is an entry in ClinVar:

NM_024675.4(PALB2):c.2607del (p.Ser869_Val870insTer)

Gene: PALB2 (partner and localizer of BRCA2; minus strand). Cytogenetic location: 16p12.2.
Variant type: Deletion.
Coding change: c.2607del on transcript NM_024675.4 (MANE Select); coding-DNA position 2607, one base deleted (C; older notation c.2607delC).
Protein change: p.Ser869_Val870insTer.
Molecular consequence: frameshift variant.
Genome position (GRCh38, 1-based): chr16:23,626,377, G deleted on the plus strand (C on the coding strand, the reverse complement: PALB2 is on the minus strand); the first of 2 consecutive G bases (chr16:23,626,377-23,626,378); deleting either gives the same sequence. VCF-style (leftmost placement, unchanged base first): chr16-23626376-CG-C. GRCh37 (hg19) VCF-style: chr16-23637697-CG-C.
Other names: c.2607delC (NM_024675.3).
Identifiers: ClinVar variation 496466 (VCV000496466.20), dbSNP rs767633741, ClinGen allele CA7963511.
Genomic context (GRCh38, chr16:23,626,376, plus strand): 5'-CAGTTATGATACATGGCTCTTTACAACCGGCTCTTTCCCAAAACATGGCACTCACATCTA[CG>C]GAACAGGAACCTGAAGGATTCTGACACAATGGCAACAGTTCTGTTAAAGTGGCACTCGAG-3'

ClinVar aggregate classification (germline): Pathogenic/Likely pathogenic. Review status: criteria provided, multiple submitters, no conflicts (2 of 4 stars). 8 submissions from 8 submitters: Pathogenic (5); Likely pathogenic (2). 1 of the submissions does not count toward it. Last evaluated 2025-12-09.

Conditions:
Hereditary breast ovarian cancer syndrome. Also called: Hereditary breast and/or ovarian cancer syndrome; Breast and ovarian cancer; Hereditary breast and ovarian cancer syndrome; Hereditary breast and ovarian cancer syndrome (HBOC); BRCA1- and BRCA2-Associated Hereditary Breast and Ovarian Cancer; Hereditary breast and ovarian cancer. Identifiers: Orphanet 145, MedGen C0677776, MeSH D061325, MONDO:0003582. Disease mechanism: loss of function.
Breast-ovarian cancer, familial, susceptibility to, 5 (BROVCA5). Identifiers: MedGen C5830615, MONDO:0957530, OMIM 620442.
Familial cancer of breast. Also called: Hereditary breast cancer; hereditary breast carcinoma; BREAST CANCER, FAMILIAL. Identifiers: Orphanet 227535, MedGen C0346153, MONDO:0016419, OMIM 114480. Disease mechanism: loss of function.
Hereditary cancer-predisposing syndrome. Also called: Hereditary Cancer Syndrome; Neoplastic Syndromes, Hereditary; Hereditary neoplastic syndrome; Tumor predisposition. Identifiers: Orphanet 140162, MedGen C0027672, MeSH D009386, MONDO:0015356.

Submissions (8):

Labcorp Genetics (formerly Invitae), Labcorp
Classification: Pathogenic for Familial cancer of breast. Last evaluated: 2025-12-09. Review status: criteria provided, single submitter. Criteria: Invitae Variant Classification Sherloc (09022015). Collection method: clinical testing. Allele origin: germline.
Comment: This sequence change creates a premature translational stop signal (p.Val870*) in the PALB2 gene. It is expected to result in an absent or disrupted protein product. Loss-of-function variants in PALB2 are known to be pathogenic (PMID: 17200668, 17200671, 17200672, 24136930, 25099575). This variant is not present in population databases (gnomAD no frequency). This premature translational stop signal has been observed in individual(s) with breast cancer (PMID: 23977390, 29263802). This variant is also known as c.2606delC, p.S869*. ClinVar contains an entry for this variant (Variation ID: 496466). For these reasons, this variant has been classified as Pathogenic.

Ambry Genetics
Classification: Pathogenic for Hereditary cancer-predisposing syndrome. Last evaluated: 2024-03-18. Review status: criteria provided, single submitter. Criteria: Ambry Variant Classification Scheme 2023. Collection method: clinical testing. Allele origin: germline.
Comment: The c.2607delC pathogenic mutation, located in coding exon 7 of the PALB2 gene, results from a deletion of one nucleotide at nucleotide position 2607, causing a translational frameshift with a predicted alternate stop codon (p.V870*). This alteration, designated as c.2606delC, has been identified in an Asian breast cancer cohort (Phuah SY et al. PLoS ONE, 2013 Aug;8:e73638). In one case-control study, this alteration was not identified in 3030 pancreatic cancer cases but was identified in 1/53105 controls from the Exome Aggregation Consortium (Hu C et al. JAMA, 2018 06;319:2401-2409). This alteration is expected to result in loss of function by premature protein truncation or nonsense-mediated mRNA decay. As such, this alteration is interpreted as a disease-causing mutation.

Myriad Genetics, Inc.
Classification: Pathogenic for Familial cancer of breast. Last evaluated: 2023-09-13. Review status: criteria provided, single submitter. Criteria: Myriad Autosomal Dominant, Autosomal Recessive and X-Linked Classification Criteria (2023). Collection method: clinical testing. Allele origin: unknown.
Comment: This variant is considered pathogenic. This variant creates a termination codon and is predicted to result in premature protein truncation.

Quest Diagnostics Nichols Institute San Juan Capistrano
Classification: Pathogenic. Last evaluated: 2023-04-13. Review status: criteria provided, single submitter. Criteria: Quest Diagnostics criteria. Collection method: clinical testing. Allele origin: unknown.
Comment: This frameshift variant alters the translational reading frame of the PALB2 mRNA and causes the premature termination of PALB2 protein synthesis. The frequency of this variant in the general population, 0.000004 (1/251484 chromosomes), is consistent with pathogenicity. In the published literature, the variant has been reported in individuals with breast cancer (PMIDs: 29263802 (2016), 26250988 (2015), 23977390 (2013)). Based on the available information, this variant is classified as pathogenic.

Baylor Genetics
Classification: Pathogenic for Familial cancer of breast. Last evaluated: 2021-12-02. Review status: criteria provided, single submitter. Criteria: ACMG Guidelines, 2015. Collection method: clinical testing. Allele origin: unknown.

Women's Health and Genetics/Laboratory Corporation of America, LabCorp
Classification: Likely pathogenic for Hereditary breast ovarian cancer syndrome. Last evaluated: 2016-05-16. Review status: criteria provided, single submitter. Criteria: LabCorp Variant Classification Summary - May 2015. Collection method: clinical testing. Allele origin: germline.
Comment: Variant summary: The PALB2 c.2607delC (p.Val870Terfs) variant results in a premature termination codon, predicted to cause a truncated or absent PALB2 protein due to nonsense mediated decay, which are commonly known mechanisms for disease. One in silico tool predicts a damaging outcome for this variant. This variant was found in 1/121404 control chromosomes at a frequency of 0.0000082, which does not exceed the estimated maximal expected allele frequency of a pathogenic PALB2 variant (0.0001563). The variant of interest has not, to our knowledge, been evaluated for functional impact by in vivo/vitro studies. Taken together, this variant is classified as likely pathogenic until more information becomes available.

Juno Genomics, Hangzhou Juno Genomics, Inc
Classification: Likely pathogenic for Breast-ovarian cancer, familial, susceptibility to, 5. Review status: criteria provided, single submitter. Criteria: ACMG Guidelines, 2015. Collection method: clinical testing. Allele origin: germline.
Comment: Absent from controls (or at extremely low frequency if recessive) in Genome Aggregation Database.;Null variant in a gene where loss of function (LOF) is a known mechanism of disease.

Leiden Open Variation Database
Classification: Pathogenic for Familial cancer of breast. Last evaluated: 2019-05-13. Review status: no assertion criteria provided. Collection method: curation. Allele origin: germline. Affected: yes. Not counted in ClinVar's aggregate classification.
Comment: Curators: Marc Tischkowitz, Arleen D. Auerbach. Submitter to LOVD: Marc Tischkowitz.

Literature cited by the submitters: PubMed 17200668 (cited by Labcorp Genetics (formerly Invitae), Labcorp); PubMed 17200671 (cited by Labcorp Genetics (formerly Invitae), Labcorp); PubMed 17200672 (cited by Labcorp Genetics (formerly Invitae), Labcorp); PubMed 24136930 (cited by Labcorp Genetics (formerly Invitae), Labcorp); PubMed 25099575 (cited by Labcorp Genetics (formerly Invitae), Labcorp); PubMed 23977390 (cited by 5 submitters); PubMed 29263802 (cited by Labcorp Genetics (formerly Invitae), Labcorp and Quest Diagnostics Nichols Institute San Juan Capistrano); PubMed 29922827 (cited by Ambry Genetics and Quest Diagnostics Nichols Institute San Juan Capistrano); PubMed 26250988 (cited by Quest Diagnostics Nichols Institute San Juan Capistrano and Women's Health and Genetics/Laboratory Corporation of America, LabCorp).